The following is an entry in ClinVar:

NM_001131016.2(CIZ1):c.2674C>T (p.Arg892Cys)

Gene: CIZ1 (CDKN1A interacting zinc finger protein 1; minus strand). Cytogenetic location: 9q34.11.
Variant type: single nucleotide variant.
Coding change: c.2674C>T on transcript NM_001131016.2 (MANE Select); coding-DNA position 2674, C replaced by T.
Protein change: p.Arg892Cys; replaces arginine 892 with cysteine.
Molecular consequence: missense variant.
Genome position (GRCh38, 1-based): chr9:128,166,220, G>A on the plus strand (C>T on the coding strand, the complement: CIZ1 is on the minus strand). VCF-style: chr9-128166220-G-A. GRCh37 (hg19) VCF-style: chr9-130928499-G-A.
Other names: c.2506C>T, p.Arg836Cys (NM_001131015.2); c.2491C>T, p.Arg831Cys (NM_001131017.2); c.2434C>T, p.Arg812Cys (NM_001131018.2); c.2842C>T, p.Arg948Cys (NM_001257975.2); c.2371C>T, p.Arg791Cys (NM_001257976.2); c.2674C>T, p.Arg892Cys (NM_012127.3); short protein forms R791C, R948C, R812C, R892C, R831C, R836C.
Identifiers: ClinVar variation 2759055 (VCV002759055.3), dbSNP rs1444613490, ClinGen allele CA375013930.
Genomic context (GRCh38, chr9:128,166,220, plus strand): 5'-TGGACCCAGGCAGGCCAGGGACAGGGAGGTCCCTCTATCAGGTTTTGAGGCGGGTTGAGC[G>A]CCGAGGTAGTGGGGGCTGGGAGGGTCGAGCCGTCACCTTGCTGGGTGTTTTGTCCTGGGT-3'
Protein context (NP_001124488.1, residues 882-898): ARPSQPPLPR[Arg892Cys]STRLKT

ClinVar aggregate classification (germline): Uncertain significance (1 of 4 stars; one submission).

Conditions:
Dystonic disorder. Also called: Dystonia. Identifiers: MedGen C0013421, MONDO:0003441, HP:0001332.

Allele frequency attached by ClinVar (database versions not stated): TOPMed 0.00001.
gnomAD v4.1: 16 of 1,493,100 alleles (0.0011%); highest among the groups gnomAD compares: Admixed American, 0.0065%; no homozygotes.

Submission:

Labcorp Genetics (formerly Invitae), Labcorp
Classification: Uncertain significance for Dystonic disorder. Last evaluated: 2023-07-05. Review status: criteria provided, single submitter. Criteria: Invitae Variant Classification Sherloc (09022015). Collection method: clinical testing. Allele origin: germline.
Comment: This sequence change replaces arginine, which is basic and polar, with cysteine, which is neutral and slightly polar, at codon 892 of the CIZ1 protein (p.Arg892Cys). The frequency data for this variant in the population databases is considered unreliable, as metrics indicate poor data quality at this position in the gnomAD database. This variant has not been reported in the literature in individuals affected with CIZ1-related conditions. An algorithm developed to predict the effect of missense changes on protein structure and function (PolyPhen-2) suggests that this variant is likely to be disruptive. In summary, the available evidence is currently insufficient to determine the role of this variant in disease. Therefore, it has been classified as a Variant of Uncertain Significance.